The following is an entry in ClinVar:

NM_005188.4(CBL):c.1595C>G (p.Pro532Arg)

Gene: CBL (Cbl proto-oncogene; plus strand). Cytogenetic location: 11q23.3.
Variant type: single nucleotide variant.
Coding change: c.1595C>G on transcript NM_005188.4 (MANE Select); coding-DNA position 1595, C replaced by G.
Protein change: p.Pro532Arg; replaces proline 532 with arginine.
Molecular consequence: missense variant.
Genome position (GRCh38, 1-based): chr11:119,285,220, C>G. VCF-style: chr11-119285220-C-G. GRCh37 (hg19) VCF-style: chr11-119155930-C-G.
Other names: short protein forms P532R.
Identifiers: ClinVar variation 4219874 (VCV004219874.1).

ClinVar aggregate classification (germline): Uncertain significance (1 of 4 stars; one submission).

Conditions:
Cardiovascular phenotype. Identifiers: MedGen CN230736.

gnomAD v4.1: 1 of 1,614,224 alleles (0.000062%); highest among the groups gnomAD compares: Non-Finnish European, 0.000085%; no homozygotes.

Submission:

Ambry Genetics
Classification: Uncertain significance for Cardiovascular phenotype. Last evaluated: 2025-07-24. Review status: criteria provided, single submitter. Criteria: Ambry Variant Classification Scheme 2023. Collection method: clinical testing. Allele origin: germline.
Comment: The p.P532R variant (also known as c.1595C>G), located in coding exon 11 of the CBL gene, results from a C to G substitution at nucleotide position 1595. The proline at codon 532 is replaced by arginine, an amino acid with dissimilar properties. This amino acid position is conserved. In addition, this alteration is predicted to be deleterious by in silico analysis. Based on the available evidence, the clinical significance of this variant remains unclear.